The following is an entry in ClinVar:

ClinVar aggregate classification (germline): Uncertain significance (1 of 4 stars; one submission).

Conditions:
Cardiovascular phenotype. Identifiers: MedGen CN230736.

Allele frequency attached by ClinVar (database versions not stated): gnomAD 0.00001.

Submission:

Ambry Genetics
Classification: Uncertain significance for Cardiovascular phenotype. Last evaluated: 2024-06-21. Review status: criteria provided, single submitter. Criteria: Ambry Variant Classification Scheme 2023. Collection method: clinical testing. Allele origin: germline.
Comment: The p.R498G variant (also known as c.1492C>G), located in coding exon 11 of the ABCG5 gene, results from a C to G substitution at nucleotide position 1492. The arginine at codon 498 is replaced by glycine, an amino acid with dissimilar properties. This amino acid position is conserved. In addition, this alteration is predicted to be deleterious by in silico analysis. Based on the available evidence, the clinical significance of this variant remains unclear.

NM_022436.3(ABCG5):c.1492C>G (p.Arg498Gly)

Genes: ABCG5 (ATP binding cassette subfamily G member 5; minus strand), DYNC2LI1 (dynein cytoplasmic 2 light intermediate chain 1; plus strand). Cytogenetic location: 2p21.
Variant type: single nucleotide variant.
Coding change: c.1492C>G on transcript NM_022436.3 (MANE Select); coding-DNA position 1492, C replaced by G.
Protein change: p.Arg498Gly; replaces arginine 498 with glycine.
Molecular consequence: missense variant. On other transcripts: intron variant (2).
Genome position (GRCh38, 1-based): chr2:43,820,072, G>C on the plus strand (C>G on the coding strand, the complement: ABCG5 is on the minus strand). VCF-style: chr2-43820072-G-C. GRCh37 (hg19) VCF-style: chr2-44047211-G-C.
Other names: c.*16-7314G>C (NM_001348913.2, NM_001348912.2); short protein forms R498G.
Identifiers: ClinVar variation 3129747 (VCV003129747.2), dbSNP rs760929179, ClinGen allele CA346663179.
Genomic context (GRCh38, chr2:43,820,072, plus strand): 5'-GAGTTAGAAATTCACCAATTAAGTGGGGGGCCAAGAGAGCAGCAGAAAAATATCCAAATC[G>C]GGCAACCTCAGGATGTAAGCCCAGCGTCCTAGAAAAGCATAAGCTCTTTAGTTTCCTCTC-3'
Protein context (NP_071881.1, residues 488-508): WTLGLHPEVA[Arg498Gly]FGYFSAALLA